The following is an entry in ClinVar:

ClinVar aggregate classification (germline): Conflicting classifications of pathogenicity. Review status: criteria provided, conflicting classifications (1 of 4 stars). 3 submissions from 3 submitters: Uncertain significance (2); Likely benign (1). Last evaluated 2024-02-02.

Conditions:
Imerslund-Grasbeck syndrome type 1 (IGS1). Also called: Imerslund-Gräsbeck syndrome 1; Megaloblastic anemia 1, Finnish type; MEGALOBLASTIC ANEMIA, 1. Identifiers: MedGen C4016819, MONDO:0100156, OMIM 261100.
Proteinuria, chronic benign. Identifiers: MedGen C5394384, MONDO:0030042, OMIM 618884.
Inborn genetic diseases. Identifiers: MedGen C0950123, MeSH D030342.
Imerslund-Grasbeck syndrome. Also called: ENTEROCYTE COBALAMIN MALABSORPTION; ENTEROCYTE INTRINSIC FACTOR RECEPTOR, DEFECT OF; PERNICIOUS ANEMIA, JUVENILE, DUE TO SELECTIVE INTESTINAL MALABSORPTION OF VITAMIN B12, WITH PROTEINURIA; Imerslund-Gräsbeck syndrome; Megaloblastic anemia due to inborn errors of metabolism. Identifiers: Orphanet 35858, MedGen C4551825, MONDO:0009853.

gnomAD v4.1: 25 of 1,611,876 alleles (0.0016%); highest among the groups gnomAD compares: Admixed American, 0.023%; no homozygotes.

Submissions (3):

Fulgent Genetics
Classification: Uncertain significance for Imerslund-Grasbeck syndrome type 1; Proteinuria, chronic benign. Last evaluated: 2024-02-02. Review status: criteria provided, single submitter. Criteria: ACMG Guidelines, 2015. Collection method: clinical testing. Allele origin: germline.

Ambry Genetics
Classification: Likely benign for Inborn genetic diseases. Last evaluated: 2024-01-04. Review status: criteria provided, single submitter. Criteria: Ambry Variant Classification Scheme 2023. Collection method: clinical testing. Allele origin: germline.

Labcorp Genetics (formerly Invitae), Labcorp
Classification: Uncertain significance for Imerslund-Grasbeck syndrome. Last evaluated: 2022-07-14. Review status: criteria provided, single submitter. Criteria: Invitae Variant Classification Sherloc (09022015). Collection method: clinical testing. Allele origin: germline.
Comment: This sequence change replaces arginine, which is basic and polar, with glutamine, which is neutral and polar, at codon 1693 of the CUBN protein (p.Arg1693Gln). This variant is present in population databases (rs372361501, gnomAD 0.03%). This variant has not been reported in the literature in individuals affected with CUBN-related conditions. Algorithms developed to predict the effect of missense changes on protein structure and function output the following: SIFT: "Tolerated"; PolyPhen-2: "Benign"; Align-GVGD: "Class C0". The glutamine amino acid residue is found in multiple mammalian species, which suggests that this missense change does not adversely affect protein function. In summary, the available evidence is currently insufficient to determine the role of this variant in disease. Therefore, it has been classified as a Variant of Uncertain Significance.

NM_001081.4(CUBN):c.5078G>A (p.Arg1693Gln)

Gene: CUBN (cubilin; minus strand). Cytogenetic location: 10p13.
Variant type: single nucleotide variant.
Coding change: c.5078G>A on transcript NM_001081.4 (MANE Select); coding-DNA position 5078, G replaced by A.
Protein change: p.Arg1693Gln; replaces arginine 1693 with glutamine.
Molecular consequence: missense variant.
Genome position (GRCh38, 1-based): chr10:16,950,003, C>T on the plus strand (G>A on the coding strand, the complement: CUBN is on the minus strand). VCF-style: chr10-16950003-C-T. GRCh37 (hg19) VCF-style: chr10-16992002-C-T.
Other names: short protein forms R1693Q.
Identifiers: ClinVar variation 2164829 (VCV002164829.3), dbSNP rs372361501, ClinGen allele CA5424151.